The following is an entry in ClinVar:

ClinVar aggregate classification (germline): Conflicting classifications of pathogenicity. Review status: no assertion criteria provided (0 of 4 stars). 2 submissions from 2 submitters: Benign (1); conflicting data from submitters (1). Last evaluated 2013-06-25.

Submissions (2):

ISCA site 4
Classification: Benign. Last evaluated: 2013-06-25. Review status: no assertion criteria provided. Collection method: clinical testing. Allele origin: unknown. Affected: yes. Observed: 6 variant alleles. Clinical features observed: Intellectual disability (HP:0001249), Poor coordination (HP:0002370), Hemihypertrophy (HP:0001528), Cleft upper lip (HP:0000204), Cleft palate (HP:0000175), Developmental delay AND/OR other significant developmental or morphological phenotypes.

ISCA site 1
Classification: conflicting data from submitters. Last evaluated: 2011-08-05. Review status: no assertion criteria provided. Collection method: clinical testing. Allele origin: maternal, unknown, paternal. Affected: yes. Observed: 9 variant alleles. Clinical features observed: Attention deficit hyperactivity disorder (HP:0007018), Global developmental delay (HP:0001263), Developmental delay AND/OR other significant developmental or morphological phenotypes, Atrial septal defect (HP:0001631), Pulmonic stenosis (HP:0001642), Bicuspid aortic valve (HP:0001647), Abnormal facial shape (HP:0001999), Delayed gross motor development (HP:0002194), Scoliosis (HP:0002650).
Comment: Uncertain significance(6), Likely benign (3)

Copy number variation identified through the course of routine clinical cytogenomic testing in postnatal populations, with clinical assertions as classified by the original submitter. For data from the original published study, Kaminsky, et al. 2011 (PubMed 21844811), please see nstd101.

GRCh38/hg38 2p22.3(chr2:32452646-33032447)x3

Genes: TTC27 (tetratricopeptide repeat domain 27; plus strand), BIRC6 (baculoviral IAP repeat containing 6; plus strand), BIRC6-AS2 (BIRC6 antisense RNA 2; minus strand), LINC00486 (long intergenic non-protein coding RNA 486; plus strand), LTBP1 (latent transforming growth factor beta binding protein 1; plus strand) and 12 more. Cytogenetic location: 2p22.3.
Variant type: copy number gain.
Change: copy number 3 (three copies instead of two) of chr2:32,452,646-33,032,447 (579.8 kb, GRCh38 coordinates, 1-based), cytogenetic band 2p22.3.
Identifiers: ClinVar variation 31967 (VCV000031967.4).